The following is an entry in ClinVar:

ClinVar aggregate classification (germline): Uncertain significance (1 of 4 stars; one submission).

Conditions:
TYR-related disorder. Also called: TYR-related condition.

Submission:

PreventionGenetics, part of Exact Sciences
Classification: Uncertain significance for TYR-related condition. Last evaluated: 2026-05-18. Review status: criteria provided, single submitter. Criteria: ACMG Guidelines, 2015. Collection method: clinical testing. Allele origin: germline.
Comment: The TYR c.1345T>A variant is predicted to result in the amino acid substitution p.Tyr449Asn. To our knowledge, this variant has not been reported in the literature. An alternate substitution of this amino acid residue (p.Tyr449Cys) has been reported in multiple individuals with oculocutaneous albinism (see for example: King et al. 2003. PubMed ID: 13680365). This variant is predicted damaging to the encoded protein (Liu et al. 2016. PMID:26555599). This variant is absent in a large population database (gnomAD), indicating this variant is rare. Although we suspect that this variant may be pathogenic, at this time, the clinical significance of this variant is uncertain due to the absence of conclusive functional and genetic evidence.

NM_000372.5(TYR):c.1345T>A (p.Tyr449Asn)

Gene: TYR (tyrosinase; plus strand). Cytogenetic location: 11q14.3.
Variant type: single nucleotide variant.
Coding change: c.1345T>A on transcript NM_000372.5 (MANE Select); coding-DNA position 1345, T replaced by A.
Protein change: p.Tyr449Asn; replaces tyrosine 449 with asparagine.
Molecular consequence: missense variant.
Genome position (GRCh38, 1-based): chr11:89,284,933, T>A. VCF-style: chr11-89284933-T-A. GRCh37 (hg19) VCF-style: chr11-89018101-T-A.
Other names: short protein forms Y449N.
Identifiers: ClinVar variation 4994292 (VCV004994292.1).